The following is an entry in ClinVar:

NM_000256.3(MYBPC3):c.1985_1986delinsCG (p.Val662Ala)

Gene: MYBPC3 (myosin binding protein C3; minus strand). Cytogenetic location: 11p11.2.
Variant type: Indel.
Coding change: c.1985_1986delinsCG on transcript NM_000256.3 (MANE Select); coding-DNA positions 1985 to 1986, TA replaced by CG.
Protein change: p.Val662Ala; replaces valine 662 with alanine.
Molecular consequence: missense variant.
Genome position (GRCh38, 1-based): chr11:47,339,732-47,339,733, TA replaced by CG on the plus strand (TA replaced by CG on the coding strand, the reverse complement: MYBPC3 is on the minus strand). VCF-style: chr11-47339732-TA-CG. GRCh37 (hg19) VCF-style: chr11-47361283-TA-CG.
Other names: c.1985_1986delTAinsCG (NM_000256.3); short protein forms V662A.
Identifiers: ClinVar variation 843438 (VCV000843438.13), dbSNP rs2095886408, ClinGen allele CA916081645.

ClinVar aggregate classification (germline): Uncertain significance. Review status: criteria provided, multiple submitters, no conflicts (2 of 4 stars). 4 submissions from 4 submitters: Uncertain significance (4). Last evaluated 2026-01-29.

Conditions:
Hypertrophic cardiomyopathy. Also called: HYPERTROPHIC MYOCARDIOPATHY. Identifiers: Orphanet 217569, MedGen C0007194, MeSH D002312, MONDO:0005045, HP:0001639.
Cardiovascular phenotype. Identifiers: MedGen CN230736.
Cardiomyopathy (CMYO). Also called: Cardiomyopathies. Identifiers: Orphanet 167848, MedGen C0878544, MONDO:0004994, HP:0001638. Inheritance: Various modes of inheritance.

Submissions (4):

GeneDx
Classification: Uncertain significance. Last evaluated: 2026-01-29. Review status: criteria provided, single submitter. Criteria: GeneDx Variant Classification Process June 2021. Collection method: clinical testing. Allele origin: germline.
Comment: Not observed at significant frequency in large population cohorts (gnomAD); In silico analysis supports a deleterious effect on protein structure/function; Has not been previously published as pathogenic or benign to our knowledge

Ambry Genetics
Classification: Uncertain significance for Cardiovascular phenotype. Last evaluated: 2025-12-05. Review status: criteria provided, single submitter. Criteria: Ambry Variant Classification Scheme 2023. Collection method: clinical testing. Allele origin: germline.
Comment: The c.1985_1986delTAinsCG variant (also known as p.V662A), located in coding exon 21 of the MYBPC3 gene, results from an in-frame deletion of TA and insertion of CG at nucleotide positions 1985 to 1986. This results in the substitution of the valine residue for an alanine residue at codon 662, an amino acid with similar properties. A single nucleotide substitution resulting in the same protein impact (p.V662A, c.1985T>C) was reported in individual(s) with features consistent with dilated cardiomyopathy (Waldm&uuml;ller S. Eur J Heart Fail. 2011 Nov;13(11):1185-92). This amino acid position is highly conserved in available vertebrate species. In addition, this alteration is predicted to be deleterious by in silico analysis. Based on data from gnomAD, this allele has an overall frequency of 0.00036% (1/280576) total alleles studied. The highest observed frequency was 0.00079% (1/128400) of European (non-Finnish) alleles. Based on the available evidence, the clinical significance of this variant remains unclear.

Labcorp Genetics (formerly Invitae), Labcorp
Classification: Uncertain significance for Hypertrophic cardiomyopathy. Last evaluated: 2024-08-13. Review status: criteria provided, single submitter. Criteria: Invitae Variant Classification Sherloc (09022015). Collection method: clinical testing. Allele origin: germline.
Comment: This sequence change replaces valine, which is neutral and non-polar, with alanine, which is neutral and non-polar, at codon 662 of the MYBPC3 protein (p.Val662Ala). The frequency data for this variant in the population databases is considered unreliable, as metrics indicate poor data quality at this position in the gnomAD database. This missense change has been observed in individual(s) with dilated cardiomyopathy (PMID: 21750094). ClinVar contains an entry for this variant (Variation ID: 843438). An algorithm developed to predict the effect of missense changes on protein structure and function (PolyPhen-2) suggests that this variant is likely to be disruptive. In summary, the available evidence is currently insufficient to determine the role of this variant in disease. Therefore, it has been classified as a Variant of Uncertain Significance.

Color Diagnostics, LLC DBA Color Health
Classification: Uncertain significance for Cardiomyopathy. Last evaluated: 2024-01-22. Review status: criteria provided, single submitter. Criteria: ACMG Guidelines, 2015. Collection method: clinical testing. Allele origin: germline.
Comment: This missense variant replaces valine with alanine at codon 662 of the MYBPC3 protein. To our knowledge, functional studies have not been reported for this variant. This variant has not been reported in individuals affected with MYBPC3-related disorders in the literature. This variant has not been identified in the general population by the Genome Aggregation Database (gnomAD). The available evidence is insufficient to determine the role of this variant in disease conclusively. Therefore, this variant is classified as a Variant of Uncertain Significance.

Literature cited by the submitters: PubMed 21750094 (cited by Ambry Genetics and Labcorp Genetics (formerly Invitae), Labcorp).